The following is an entry in ClinVar:

ClinVar aggregate classification (germline): Uncertain significance (1 of 4 stars; one submission).

gnomAD v4.1: 9 of 1,613,672 alleles (0.00056%); highest among the groups gnomAD compares: Non-Finnish European, 0.00076%; no homozygotes.

Submission:

Labcorp Genetics (formerly Invitae), Labcorp
Classification: Uncertain significance. Last evaluated: 2025-09-04. Review status: criteria provided, single submitter. Criteria: Invitae Variant Classification Sherloc (09022015). Collection method: clinical testing. Allele origin: germline.
Comment: This sequence change replaces proline, which is neutral and non-polar, with leucine, which is neutral and non-polar, at codon 414 of the POLD2 protein (p.Pro414Leu). This variant is present in population databases (no rsID available, gnomAD 0.0009%). This variant has not been reported in the literature in individuals affected with POLD2-related conditions. Experimental studies and prediction algorithms are not available or were not evaluated, and the functional significance of this variant is currently unknown. In summary, the available evidence is currently insufficient to determine the role of this variant in disease. Therefore, it has been classified as a Variant of Uncertain Significance.

NM_006230.4(POLD2):c.1136C>T (p.Pro379Leu)

Gene: POLD2 (DNA polymerase delta 2, accessory subunit; minus strand). Cytogenetic location: 7p13.
Variant type: single nucleotide variant.
Coding change: c.1136C>T on transcript NM_006230.4 (MANE Select); coding-DNA position 1136, C replaced by T.
Protein change: p.Pro379Leu; replaces proline 379 with leucine.
Molecular consequence: missense variant.
Genome position (GRCh38, 1-based): chr7:44,115,777, G>A on the plus strand (C>T on the coding strand, the complement: POLD2 is on the minus strand). VCF-style: chr7-44115777-G-A. GRCh37 (hg19) VCF-style: chr7-44155376-G-A.
Other names: c.1136C>T, p.Pro379Leu (NM_001127218.3, NM_001256879.2); short protein forms P379L.
Identifiers: ClinVar variation 4763188 (VCV004763188.1).